The following is an entry in ClinVar:

NM_000284.4(PDHA1):c.410A>G (p.Glu137Gly)

Gene: PDHA1 (pyruvate dehydrogenase E1 subunit alpha 1; plus strand). Cytogenetic location: Xp22.12.
Variant type: single nucleotide variant.
Coding change: c.410A>G on transcript NM_000284.4 (MANE Select); coding-DNA position 410, A replaced by G.
Protein change: p.Glu137Gly; replaces glutamic acid 137 with glycine.
Molecular consequence: missense variant.
Genome position (GRCh38, 1-based): chrX:19,351,399, A>G. VCF-style: chrX-19351399-A-G. GRCh37 (hg19) VCF-style: chrX-19369517-A-G.
Other names: c.524A>G, p.Glu175Gly (NM_001173454.2); c.431A>G, p.Glu144Gly (NM_001173455.2); c.410A>G, p.Glu137Gly (NM_001173456.2); short protein forms E137G, E144G, E175G.
Identifiers: ClinVar variation 4070472 (VCV004070472.1).

ClinVar aggregate classification (germline): Likely pathogenic (0 of 4 stars; one submission).

Conditions:
Pyruvate dehydrogenase E1-alpha deficiency (PDHAD). Also called: ATAXIA, INTERMITTENT, WITH PYRUVATE DEHYDROGENASE DEFICIENCY; ATAXIA WITH LACTIC ACIDOSIS I; ATAXIA, INTERMITTENT, WITH ABNORMAL PYRUVATE METABOLISM; Ataxia, intermittent, with pyruvate dehydrogenase, or decarboxylase, deficiency. Identifiers: Orphanet 79243, MedGen C1839413, MONDO:0010717, OMIM 312170.

Submission:

PDHA1 Study Group, University Children’s Hospital, Paracelsus Medical University
Classification: Likely pathogenic for Pyruvate dehydrogenase E1-alpha deficiency. Last evaluated: 2024-10-15. Review status: no assertion criteria provided. Collection method: research. Allele origin: inherited. Affected: yes. Observed: 4 variant alleles.
Comment: The NM_000284.3:c.410A>G (p.Glu137Gly) substitution is a missense variant in PDHA1 gene.In total, 4 individuals were diagnosed with PDHA1-related Pyruvate dehydrogenase complex (PDHc) deficiency (MIM #312170). These include 1 male and 3 females. Among them, 2 were confirmed inherited. The variant has been reported in 4 published cases (PMIDs: 28918066, 7981697). Last literature search: July 12, 2024. This variant is absent or extremely rare in population-based cohorts in the Genome Aggregation Database (gnomAD). Individuals harboring this variant presented with clinical features compatible with PDHA1-related PDHc deficiency. In summary, this variant meets criteria to be classified as likely pathogenic (LP) for PDHA1-related PDHc deficiency based on the ACMG/AMP criteria applied: PS2, PM2, PP3 (last assessment October 15, 2024).

Literature cited by the submitters: PubMed 28918066; PubMed 7981697; DOI 10.1093/brain/awaf430.